The following is an entry in ClinVar:

NM_130384.3(ATRIP):c.1002T>G (p.Ser334Arg)

Genes: ATRIP (ATR interacting protein; plus strand), ATRIP-TREX1 (ATRIP-TREX1 readthrough; plus strand). Cytogenetic location: 3p21.31.
Variant type: single nucleotide variant.
Coding change: c.1002T>G on transcript NM_130384.3 (MANE Select); coding-DNA position 1002, T replaced by G.
Protein change: p.Ser334Arg; replaces serine 334 with arginine.
Molecular consequence: missense variant. On other transcripts: non-coding transcript variant (1).
Genome position (GRCh38, 1-based): chr3:48,459,863, T>G. VCF-style: chr3-48459863-T-G. GRCh37 (hg19) VCF-style: chr3-48501262-T-G.
Other names: c.621T>G, p.Ser207Arg (NM_001271022.2); c.723T>G, p.Ser241Arg (NM_001271023.2); c.1002T>G, p.Ser334Arg (NM_032166.4); short protein forms S207R, S241R, S334R.
Identifiers: ClinVar variation 3464621 (VCV003464621.1).

ClinVar aggregate classification (germline): Uncertain significance (1 of 4 stars; one submission).

Submission:

Ambry Genetics
Classification: Uncertain significance. Last evaluated: 2024-11-26. Review status: criteria provided, single submitter. Criteria: Ambry Variant Classification Scheme 2023. Collection method: clinical testing. Allele origin: germline.
Comment: The p.S334R variant (also known as c.1002T>G), located in coding exon 7 of the ATRIP gene, results from a T to G substitution at nucleotide position 1002. The serine at codon 334 is replaced by arginine, an amino acid with dissimilar properties. This amino acid position is conserved. In addition, the in silico prediction for this alteration is inconclusive. Based on the available evidence, the clinical significance of this variant remains unclear.